The following is an entry in ClinVar:

NM_016077.5(PTRH2):c.240G>C (p.Gly80=)

Gene: PTRH2 (peptidyl-tRNA hydrolase 2; minus strand). Cytogenetic location: 17q23.1.
Variant type: single nucleotide variant.
Coding change: c.240G>C on transcript NM_016077.5 (MANE Select); coding-DNA position 240, G replaced by C.
Protein change: p.Gly80=; no amino-acid change (glycine 80 retained).
Molecular consequence: synonymous variant.
Genome position (GRCh38, 1-based): chr17:59,697,739, C>G on the plus strand (G>C on the coding strand, the complement: PTRH2 is on the minus strand). VCF-style: chr17-59697739-C-G. GRCh37 (hg19) VCF-style: chr17-57775100-C-G.
Other names: c.243G>C, p.Gly81= (NM_001015509.3).
Identifiers: ClinVar variation 506835 (VCV000506835.1), dbSNP rs759188112, ClinGen allele CA8681926.

ClinVar aggregate classification (germline): Likely benign (1 of 4 stars; one submission).

Allele frequency attached by ClinVar (database versions not stated): TOPMed 0.00002.
gnomAD v4.1: 17 of 1,614,080 alleles (0.0011%); highest among the groups gnomAD compares: Non-Finnish European, 0.0014%; no homozygotes.

Submission:

GeneDx
Classification: Likely benign. Last evaluated: 2017-01-23. Review status: criteria provided, single submitter. Criteria: GeneDx Variant Classification (06012015). Collection method: clinical testing. Allele origin: germline. Affected: yes.
Comment: This variant is considered likely benign or benign based on one or more of the following criteria: it is a conservative change, it occurs at a poorly conserved position in the protein, it is predicted to be benign by multiple in silico algorithms, and/or has population frequency not consistent with disease.